The following is an entry in ClinVar:

ClinVar aggregate classification (germline): Uncertain significance. Review status: criteria provided, multiple submitters, no conflicts (2 of 4 stars). 2 submissions from 2 submitters: Uncertain significance (2). Last evaluated 2025-06-19.

Allele frequency attached by ClinVar (database versions not stated): gnomAD 0.00002; gnomAD exomes 0.00009; ExAC 0.00012.
gnomAD v4.1: 55 of 1,613,566 alleles (0.0034%); highest among the groups gnomAD compares: East Asian, 0.0045%; 1 homozygote.

Submissions (2):

Women's Health and Genetics/Laboratory Corporation of America, LabCorp
Classification: Uncertain significance. Last evaluated: 2025-06-19. Review status: criteria provided, single submitter. Criteria: LabCorp Variant Classification Summary - May 2015. Collection method: clinical testing. Allele origin: germline.
Comment: Variant summary: TYRP1 c.758C>T (p.Thr253Met) results in a non-conservative amino acid change in the encoded protein sequence. Algorithms developed to predict the effect of missense changes on protein structure and function all suggest that this variant is likely to be disruptive. The variant allele was found at a frequency of 9.2e-05 in 251160 control chromosomes. This frequency is not significantly higher than estimated for a pathogenic variant in TYRP1 causing Oculocutaneous albinism type 3, allowing no conclusion about variant significance. c.758C>T has been observed in individual(s) affected with Oculocutaneous albinism type 3. These report(s) do not provide unequivocal conclusions about association of the variant with Oculocutaneous albinism type 3. To our knowledge, no experimental evidence demonstrating an impact on protein function has been reported. ClinVar contains an entry for this variant (Variation ID: 1475742). Based on the evidence outlined above, the variant was classified as uncertain significance.

Labcorp Genetics (formerly Invitae), Labcorp
Classification: Uncertain significance. Last evaluated: 2023-12-04. Review status: criteria provided, single submitter. Criteria: Invitae Variant Classification Sherloc (09022015). Collection method: clinical testing. Allele origin: germline.
Comment: This sequence change replaces threonine, which is neutral and polar, with methionine, which is neutral and non-polar, at codon 253 of the TYRP1 protein (p.Thr253Met). This variant is present in population databases (rs202126779, gnomAD 0.05%). This missense change has been observed in individual(s) with clinical features of oculocutaneous albinism (PMID: 18326704). ClinVar contains an entry for this variant (Variation ID: 1475742). Advanced modeling of protein sequence and biophysical properties (such as structural, functional, and spatial information, amino acid conservation, physicochemical variation, residue mobility, and thermodynamic stability) performed at Invitae indicates that this missense variant is not expected to disrupt TYRP1 protein function with a negative predictive value of 80%. In summary, the available evidence is currently insufficient to determine the role of this variant in disease. Therefore, it has been classified as a Variant of Uncertain Significance.

Literature cited by the submitters: PubMed 18326704 (cited by Women's Health and Genetics/Laboratory Corporation of America, LabCorp and Labcorp Genetics (formerly Invitae), Labcorp).

NM_000550.3(TYRP1):c.758C>T (p.Thr253Met)

Gene: TYRP1 (tyrosinase related protein 1; plus strand). Cytogenetic location: 9p23.
Variant type: single nucleotide variant.
Coding change: c.758C>T on transcript NM_000550.3 (MANE Select); coding-DNA position 758, C replaced by T.
Protein change: p.Thr253Met; replaces threonine 253 with methionine.
Molecular consequence: missense variant.
Genome position (GRCh38, 1-based): chr9:12,698,500, C>T. VCF-style: chr9-12698500-C-T. GRCh37 (hg19) VCF-style: chr9-12698500-C-T.
Other names: short protein forms T253M.
Identifiers: ClinVar variation 1475742 (VCV001475742.7), dbSNP rs202126779, ClinGen allele CA4985317.